The following is an entry in ClinVar:

ClinVar aggregate classification (germline): Uncertain significance. Review status: criteria provided, multiple submitters, no conflicts (2 of 4 stars). 2 submissions from 2 submitters: Uncertain significance (2). Last evaluated 2023-04-19.

Conditions:
KANK4-related disorder. Also called: KANK4-related condition.

Allele frequency attached by ClinVar (database versions not stated): ExAC 0.00002; TOPMed 0.00003; gnomAD 0.00004.
gnomAD v4.1: 25 of 1,516,744 alleles (0.0016%); highest among the groups gnomAD compares: African/African-American, 0.011%; no homozygotes.

Submissions (2):

PreventionGenetics, part of Exact Sciences
Classification: Uncertain significance for KANK4-related condition. Last evaluated: 2023-04-19. Review status: criteria provided, single submitter. Criteria: ACMG Guidelines, 2015. Collection method: clinical testing. Allele origin: germline.
Comment: The KANK4 c.1874C>T variant is predicted to result in the amino acid substitution p.Pro625Leu. To our knowledge, this variant has not been reported in the literature. This variant is reported in 0.0063% of alleles in individuals of South Asian descent in gnomAD. At this time, the clinical significance of this variant is uncertain due to the absence of conclusive functional and genetic evidence.

Ambry Genetics
Classification: Uncertain significance. Last evaluated: 2022-09-14. Review status: criteria provided, single submitter. Criteria: Ambry Variant Classification Scheme 2023. Collection method: clinical testing. Allele origin: germline.

NM_181712.5(KANK4):c.1874C>T (p.Pro625Leu)

Gene: KANK4 (KN motif and ankyrin repeat domains 4; minus strand). Cytogenetic location: 1p31.3.
Variant type: single nucleotide variant.
Coding change: c.1874C>T on transcript NM_181712.5 (MANE Select); coding-DNA position 1874, C replaced by T.
Protein change: p.Pro625Leu; replaces proline 625 with leucine.
Molecular consequence: missense variant. On other transcripts: intron variant (1).
Genome position (GRCh38, 1-based): chr1:62,273,230, G>A on the plus strand (C>T on the coding strand, the complement: KANK4 is on the minus strand). VCF-style: chr1-62273230-G-A. GRCh37 (hg19) VCF-style: chr1-62738902-G-A.
Other names: c.17-1641C>T (NM_001320269.2); short protein forms P625L.
Identifiers: ClinVar variation 2209307 (VCV002209307.3), dbSNP rs760690246, ClinGen allele CA884296.